The following is an entry in ClinVar:

ClinVar aggregate classification (germline): Uncertain significance (1 of 4 stars; one submission).

Submission:

GeneDx
Classification: Uncertain significance. Last evaluated: 2024-09-09. Review status: criteria provided, single submitter. Criteria: GeneDx Variant Classification Process June 2021. Collection method: clinical testing. Allele origin: germline. Affected: yes.
Comment: Not observed at significant frequency in large population cohorts (gnomAD); In silico analysis supports that this missense variant has a deleterious effect on protein structure/function; Has not been previously published as pathogenic or benign to our knowledge

NM_000388.4(CASR):c.2471C>A (p.Ala824Asp)

Gene: CASR (calcium sensing receptor; plus strand). Cytogenetic location: 3q21.1.
Variant type: single nucleotide variant.
Coding change: c.2471C>A on transcript NM_000388.4 (MANE Select); coding-DNA position 2471, C replaced by A.
Protein change: p.Ala824Asp; replaces alanine 824 with aspartic acid.
Molecular consequence: missense variant.
Genome position (GRCh38, 1-based): chr3:122,284,425, C>A. VCF-style: chr3-122284425-C-A. GRCh37 (hg19) VCF-style: chr3-122003272-C-A.
Other names: c.2501C>A, p.Ala834Asp (NM_001178065.2); short protein forms A824D, A834D.
Identifiers: ClinVar variation 3767459 (VCV003767459.1).